The following is an entry in ClinVar:

NM_022455.5(NSD1):c.3358G>C (p.Gly1120Arg)

Gene: NSD1 (nuclear receptor binding SET domain protein 1; plus strand). Cytogenetic location: 5q35.3.
Variant type: single nucleotide variant.
Coding change: c.3358G>C on transcript NM_022455.5 (MANE Select); coding-DNA position 3358, G replaced by C.
Protein change: p.Gly1120Arg; replaces glycine 1120 with arginine.
Molecular consequence: missense variant.
Genome position (GRCh38, 1-based): chr5:177,211,757, G>C. VCF-style: chr5-177211757-G-C. GRCh37 (hg19) VCF-style: chr5-176638758-G-C.
Other names: c.2485G>C, p.Gly829Arg (NM_001365684.2, NM_001409306.1, NM_001409307.1 and 3 more transcripts); c.3358G>C, p.Gly1120Arg (NM_001409301.1, NM_001409302.1, NM_001409303.1); c.2938G>C, p.Gly980Arg (NM_001409304.1); c.2605G>C, p.Gly869Arg (NM_001409305.1); short protein forms G1120R, G851R, G829R, G869R, G980R.
Identifiers: ClinVar variation 1302502 (VCV001302502.2), dbSNP rs1763362171, ClinGen allele CA362323988.
Genomic context (GRCh38, chr5:177,211,757, plus strand): 5'-GAAGATGGTGACCATTTTTCTGATGTGCATTTCGATAGCAAGGTTAAGCAATCTGATCCT[G>C]GTAAAATTTCTGAAAAAGGACTCTCTTTTGAAAACGGAAAAGGCCCAGAGCTGGACTCTG-3'
Protein context (NP_071900.2, residues 1110-1130): FDSKVKQSDP[Gly1120Arg]KISEKGLSFE

ClinVar aggregate classification (germline): Uncertain significance (1 of 4 stars; one submission).

Allele frequency attached by ClinVar (database versions not stated): TOPMed below 0.00001.

Submission:

GeneDx
Classification: Uncertain significance. Last evaluated: 2019-04-30. Review status: criteria provided, single submitter. Criteria: GeneDx Variant Classification Process June 2021. Collection method: clinical testing. Allele origin: germline. Affected: yes.
Comment: Not observed in large population cohorts (Lek et al., 2016); In silico analysis, which includes protein predictors and evolutionary conservation, supports that this variant does not alter protein structure/function; Has not been previously published as pathogenic or benign to our knowledge